The following is an entry in ClinVar:

ClinVar aggregate classification (germline): Likely benign (1 of 4 stars; one submission).

Allele frequency attached by ClinVar (database versions not stated): gnomAD exomes below 0.00001; 1000 Genomes Project 0.00100.

Submission:

CeGaT Center for Human Genetics Tuebingen
Classification: Likely benign. Last evaluated: 2023-01-01. Review status: criteria provided, single submitter. Criteria: CeGaT Center For Human Genetics Tuebingen Variant Classification Criteria Version 2. Collection method: clinical testing. Allele origin: germline. Affected: yes. Observed: 1 variant allele.
Comment: ZNF358: BP4, BP7

NM_018083.5(ZNF358):c.1209T>A (p.Ala403=)

Gene: ZNF358 (zinc finger protein 358; plus strand). Cytogenetic location: 19p13.2.
Variant type: single nucleotide variant.
Coding change: c.1209T>A on transcript NM_018083.5 (MANE Select); coding-DNA position 1209, T replaced by A.
Protein change: p.Ala403=; no amino-acid change (alanine 403 retained).
Molecular consequence: synonymous variant.
Genome position (GRCh38, 1-based): chr19:7,520,451, T>A. VCF-style: chr19-7520451-T-A. GRCh37 (hg19) VCF-style: chr19-7585337-T-A.
Identifiers: ClinVar variation 2649161 (VCV002649161.24), dbSNP rs554724109, ClinGen allele CA304892150.
Genomic context (GRCh38, chr19:7,520,451, plus strand): 5'-CTTCGGCCAGGCCTCCAGCCTCACCAAGCACAAACGGGTGCATGAGGGTGCAGCCGCTGC[T>A]GCAGCTGCCGCGGCCGCTGCAGCTGCAGCAGCGGCCGCCGGCCTGGGCCTCGGGCCTGGC-3'
Protein context (NP_060553.4, residues 393-413): HKRVHEGAAA[Ala403=]AAAAAAAAAA